The following is an entry in ClinVar:

ClinVar aggregate classification (germline): Pathogenic. Review status: criteria provided, multiple submitters, no conflicts (2 of 4 stars). 2 submissions from 2 submitters: Pathogenic (2). Last evaluated 2024-10-14.

Conditions:
Charcot-Marie-Tooth disease type 2. Also called: Charcot-Marie-Tooth type 2. Identifiers: Orphanet 64746, MedGen C0270914, MONDO:0018993.
LMNA-related disorder. Also called: LMNA-related condition; LMNA-related disease; LMNA-related disorders. Identifiers: MedGen CN380145.

Submissions (2):

Blueprint Genetics
Classification: Pathogenic for LMNA-related disorders. Last evaluated: 2024-10-14. Review status: criteria provided, single submitter. Criteria: ACMG Guidelines, 2015. Collection method: clinical testing. Allele origin: germline. Affected: yes. Observed: 2 variant alleles.

Labcorp Genetics (formerly Invitae), Labcorp
Classification: Pathogenic for Charcot-Marie-Tooth disease type 2. Last evaluated: 2019-10-09. Review status: criteria provided, single submitter. Criteria: Invitae Variant Classification Sherloc (09022015). Collection method: clinical testing. Allele origin: germline.
Comment: This sequence change creates a premature translational stop signal (p.Gln354*) in the LMNA gene. It is expected to result in an absent or disrupted protein product. This variant is not present in population databases (ExAC no frequency). This variant has not been reported in the literature in individuals with LMNA-related conditions. Loss-of-function variants in LMNA are known to be pathogenic (PMID: 18585512, 18926329). For these reasons, this variant has been classified as Pathogenic.

Literature cited by the submitters: PubMed 18585512 (cited by Labcorp Genetics (formerly Invitae), Labcorp); PubMed 18926329 (cited by Labcorp Genetics (formerly Invitae), Labcorp).

NM_170707.4(LMNA):c.1060C>T (p.Gln354Ter)

Gene: LMNA (lamin A/C; plus strand). Cytogenetic location: 1q22.
Variant type: single nucleotide variant.
Coding change: c.1060C>T on transcript NM_170707.4 (MANE Select); coding-DNA position 1060, C replaced by T.
Protein change: p.Gln354Ter; replaces glutamine 354 with a stop codon.
Molecular consequence: nonsense.
Genome position (GRCh38, 1-based): chr1:156,136,024, C>T. VCF-style: chr1-156136024-C-T. GRCh37 (hg19) VCF-style: chr1-156105815-C-T.
Other names: c.724C>T, p.Gln242Ter (NM_001257374.3); c.817C>T, p.Gln273Ter (NM_001282624.2); c.1060C>T, p.Gln354Ter (NM_001282625.2, NM_001282626.2, NM_005572.4 and 1 more transcripts); short protein forms Q242*, Q273*, Q354*.
Identifiers: ClinVar variation 963141 (VCV000963141.8), dbSNP rs1651564707, ClinGen allele CA342820294.